The following is an entry in ClinVar:

NM_003638.3(ITGA8):c.3003G>A (p.Trp1001Ter)

Gene: ITGA8 (integrin subunit alpha 8; minus strand). Cytogenetic location: 10p13.
Variant type: single nucleotide variant.
Coding change: c.3003G>A on transcript NM_003638.3 (MANE Select); coding-DNA position 3003, G replaced by A.
Protein change: p.Trp1001Ter; replaces tryptophan 1001 with a stop codon.
Molecular consequence: nonsense.
Genome position (GRCh38, 1-based): chr10:15,519,392, C>T on the plus strand (G>A on the coding strand, the complement: ITGA8 is on the minus strand). VCF-style: chr10-15519392-C-T. GRCh37 (hg19) VCF-style: chr10-15561391-C-T.
Other names: c.2958G>A, p.Trp986Ter (NM_001291494.2); short protein forms W986*, W1001*.
Identifiers: ClinVar variation 4715342 (VCV004715342.1).

ClinVar aggregate classification (germline): Pathogenic (1 of 4 stars; one submission).

gnomAD v4.1: 1 of 1,613,446 alleles (0.000062%); highest among the groups gnomAD compares: Non-Finnish European, 0.000085%; no homozygotes.

Submission:

Labcorp Genetics (formerly Invitae), Labcorp
Classification: Pathogenic. Last evaluated: 2025-04-15. Review status: criteria provided, single submitter. Criteria: Invitae Variant Classification Sherloc (09022015). Collection method: clinical testing. Allele origin: germline.
Comment: This sequence change creates a premature translational stop signal (p.Trp1001*) in the ITGA8 gene. It is expected to result in an absent or disrupted protein product. Loss-of-function variants in ITGA8 are known to be pathogenic (PMID: 24439109). This variant is present in population databases (rs768988351, gnomAD 0.0009%). This variant has not been reported in the literature in individuals affected with ITGA8-related conditions. For these reasons, this variant has been classified as Pathogenic.

Literature cited by the submitters: PubMed 24439109.